The following is an entry in ClinVar:

NM_000022.4(ADA):c.790del (p.Trp264fs)

Gene: ADA (adenosine deaminase; minus strand). Cytogenetic location: 20q13.12.
Variant type: Deletion.
Coding change: c.790del on transcript NM_000022.4 (MANE Select); coding-DNA position 790, one base deleted (T; older notation c.790delT).
Protein change: p.Trp264fs; shifts the reading frame from tryptophan 264.
Molecular consequence: frameshift variant.
Genome position (GRCh38, 1-based): chr20:44,622,643, A deleted on the plus strand (T on the coding strand, the reverse complement: ADA is on the minus strand). VCF-style (leftmost placement, unchanged base first): chr20-44622642-CA-C. GRCh37 (hg19) VCF-style: chr20-43251283-CA-C.
Other names: c.385del, p.Trp129fs (NM_001322050.2); c.718del, p.Trp240fs (NM_001322051.2); c.790delT (NM_000022.3); short protein forms W240fs, W264fs, W129fs.
Identifiers: ClinVar variation 550675 (VCV000550675.30), dbSNP rs1555844006, ClinGen allele CA658824664.
Genomic context (GRCh38, chr20:44,622,642, plus strand): 5'-GCTCACCGAATGACTGCATGCTCCGTGTCCGGCTTCCAGGCACCAGTGAGGTAGCTGGAC[CA>C]GGGGCAGATCTGGAAGAGCAGGTGTGTGGCTGGCAGGGATGGCCCCAGGCCATGCTGATT-3'

ClinVar aggregate classification (germline): Pathogenic/Likely pathogenic. Review status: criteria provided, multiple submitters, no conflicts (2 of 4 stars). 4 submissions from 4 submitters: Pathogenic (1); Likely pathogenic (2). 1 of the submissions does not count toward it. Last evaluated 2024-05-02.

Conditions:
Severe combined immunodeficiency, autosomal recessive, T cell-negative, B cell-negative, NK cell-negative, due to adenosine deaminase deficiency. Also called: ADA-SCID; SCID DUE TO ADA DEFICIENCY; SCID DUE TO ADA DEFICIENCY, EARLY-ONSET; ADA deficiency; Adenosine deaminase deficient severe combined immunodeficiency; Severe combined immunodeficiency due to ADA deficiency. Identifiers: Orphanet 277, MedGen C0392607, MONDO:0007064, OMIM 102700.

Allele frequency attached by ClinVar (database versions not stated): gnomAD exomes below 0.00001.

Submissions (4):

Natera, Inc.
Classification: Likely pathogenic for Severe combined immunodeficiency due to ADA deficiency. Last evaluated: 2024-05-02. Review status: criteria provided, single submitter. Criteria: Natera Variant Classification Schema (03/2026). Collection method: clinical testing. Allele origin: germline.
Comment: The c.790delT variant in ADA is a frameshift variant predicted to shift the reading frame beginning at codon 264 and leads to a stop codon 47 codons downstream. This variant is expected to result in nonsense mediated decay, truncation, or a dysfunctional protein product. This variant is rare in the general population with a frequency below the threshold expected for the associated phenotype(s). Given the available evidence, this variant is classified as Likely Pathogenic.

Baylor Genetics
Classification: Likely pathogenic for Severe combined immunodeficiency, autosomal recessive, T cell-negative, B cell-negative, NK cell-negative, due to adenosine deaminase deficiency. Last evaluated: 2024-03-12. Review status: criteria provided, single submitter. Criteria: ACMG Guidelines, 2015. Collection method: clinical testing. Allele origin: unknown.

CeGaT Center for Human Genetics Tuebingen
Classification: Pathogenic. Last evaluated: 2023-06-01. Review status: criteria provided, single submitter. Criteria: CeGaT Center For Human Genetics Tuebingen Variant Classification Criteria Version 2. Collection method: clinical testing. Allele origin: germline. Affected: yes. Observed: 1 variant allele.
Comment: ADA: PVS1, PM2

Counsyl
Classification: Likely pathogenic for Severe combined immunodeficiency, autosomal recessive, T cell-negative, B cell-negative, NK cell-negative, due to adenosine deaminase deficiency. Last evaluated: 2017-02-08. Review status: no assertion criteria provided. Collection method: clinical testing. Allele origin: unknown. Not counted in ClinVar's aggregate classification.